The following is an entry in ClinVar:

NM_001365951.3(KIF1B):c.3032A>G (p.Gln1011Arg)

Gene: KIF1B (kinesin family member 1B; plus strand). Cytogenetic location: 1p36.22.
Variant type: single nucleotide variant.
Coding change: c.3032A>G on transcript NM_001365951.3 (MANE Select); coding-DNA position 3032, A replaced by G.
Protein change: p.Gln1011Arg; replaces glutamine 1011 with arginine.
Molecular consequence: missense variant.
Genome position (GRCh38, 1-based): chr1:10,334,627, A>G. VCF-style: chr1-10334627-A-G. GRCh37 (hg19) VCF-style: chr1-10394685-A-G.
Other names: c.3032A>G, p.Gln1011Arg (NM_001365952.1); c.2894A>G, p.Gln965Arg (NM_015074.3); short protein forms Q1011R, Q965R.
Identifiers: ClinVar variation 1963931 (VCV001963931.6), dbSNP rs2521700983, ClinGen allele CA338338851.

ClinVar aggregate classification (germline): Uncertain significance. Review status: criteria provided, multiple submitters, no conflicts (2 of 4 stars). 2 submissions from 2 submitters: Uncertain significance (2). Last evaluated 2026-04-19.

Conditions:
Charcot-Marie-Tooth disease type 2. Also called: Charcot-Marie-Tooth type 2. Identifiers: Orphanet 64746, MedGen C0270914, MONDO:0018993.

Submissions (2):

Ambry Genetics
Classification: Uncertain significance. Last evaluated: 2026-04-19. Review status: criteria provided, single submitter. Criteria: Ambry Variant Classification Scheme 2023. Collection method: clinical testing. Allele origin: germline.
Comment: The p.Q965R variant (also known as c.2894A>G), located in coding exon 25 of the KIF1B gene, results from an A to G substitution at nucleotide position 2894. The glutamine at codon 965 is replaced by arginine, an amino acid with highly similar properties. This amino acid position is conserved. In addition, this alteration is predicted to be deleterious by in silico analysis. Based on the available evidence, the clinical significance of this variant remains unclear.

Labcorp Genetics (formerly Invitae), Labcorp
Classification: Uncertain significance for Charcot-Marie-Tooth disease type 2. Last evaluated: 2022-06-09. Review status: criteria provided, single submitter. Criteria: Invitae Variant Classification Sherloc (09022015). Collection method: clinical testing. Allele origin: germline.
Comment: In summary, the available evidence is currently insufficient to determine the role of this variant in disease. Therefore, it has been classified as a Variant of Uncertain Significance. Algorithms developed to predict the effect of missense changes on protein structure and function are either unavailable or do not agree on the potential impact of this missense change (SIFT: "Tolerated"; PolyPhen-2: "Possibly Damaging"; Align-GVGD: "Class C0"). This variant has not been reported in the literature in individuals affected with KIF1B-related conditions. This sequence change replaces glutamine, which is neutral and polar, with arginine, which is basic and polar, at codon 965 of the KIF1B protein (p.Gln965Arg). This variant is not present in population databases (gnomAD no frequency).